The following is an entry in ClinVar:

Conditions:
Breast-ovarian cancer, familial, susceptibility to, 1 (BROVCA1). Also called: BRCA1 Hereditary Breast and Ovarian Cancer; OVARIAN CANCER, SUSCEPTIBILITY TO. Identifiers: Orphanet 145, MedGen C2676676, MONDO:0011450, OMIM 604370. Disease mechanism: loss of function.

Submission:

Brotman Baty Institute, University of Washington
No classification provided (evidence only). Condition: Breast-ovarian cancer, familial 1. Review status: no classification provided. Collection method: in vitro. Allele origin: not applicable. Functional consequence: functionally_abnormal.
ClinVar note: "not provided" was previously submitted as the classification for the variant. However, the classification appeared to be based only on an observation of functional data so it was converted to no classification on 2025-07-30.

NM_007294.4(BRCA1):c.4970T>A (p.Leu1657Gln)

Gene: BRCA1 (BRCA1 DNA repair associated; minus strand). Cytogenetic location: 17q21.31.
Variant type: single nucleotide variant.
Coding change: c.4970T>A on transcript NM_007294.4 (MANE Select); coding-DNA position 4970, T replaced by A.
Protein change: p.Leu1657Gln; replaces leucine 1657 with glutamine.
Molecular consequence: missense variant. On other transcripts: non-coding transcript variant (1).
Genome position (GRCh38, 1-based): chr17:43,070,944, A>T on the plus strand (T>A on the coding strand, the complement: BRCA1 is on the minus strand). VCF-style: chr17-43070944-A-T. GRCh37 (hg19) VCF-style: chr17-41222961-A-T.
Other names: c.4757T>A, p.Leu1586Gln (NM_001407571.1, NM_001407894.1, NM_001407895.1 and 12 more transcripts); c.5036T>A, p.Leu1679Gln (NM_001407581.1, NM_001407582.1); c.5033T>A, p.Leu1678Gln (NM_001407583.1, NM_001407585.1, NM_001407587.1 and 1 more transcripts); c.5030T>A, p.Leu1677Gln (NM_001407590.1, NM_001407591.1); c.4970T>A, p.Leu1657Gln (NM_001407593.1, NM_001407594.1, NM_001407596.1 and 8 more transcripts); c.4967T>A, p.Leu1656Gln (NM_001407619.1, NM_001407620.1, NM_001407621.1 and 17 more transcripts); c.4964T>A, p.Leu1655Gln (NM_001407627.1, NM_001407638.1, NM_001407639.1 and 14 more transcripts); c.4961T>A, p.Leu1654Gln (NM_001407644.1, NM_001407645.1); and 70 more; short protein forms L1678Q, L1610Q, L1657Q, L553Q, L1488Q, L1544Q, L1545Q, L1567Q.
Identifiers: ClinVar variation 865474 (VCV000865474.3), dbSNP rs1597830263, ClinGen allele CA10591587.
Genomic context (GRCh38, chr17:43,070,944, plus strand): 5'-TGTTAAGTCTTAGTCATTAGGGAGATACATATGGATACACTCACAAATTCTTCTGGGGTC[A>T]GGCCAGACACCACCATGGACATTCTTTTGTTGACCCTTTCTGTTGAAGCTGTCAATTCTG-3'
Protein context (NP_009225.1, residues 1647-1667): NKRMSMVVSG[Leu1657Gln]TPEEFMLVYK